The following is an entry in ClinVar:

NM_006306.4(SMC1A):c.2345G>A (p.Arg782Gln)

Gene: SMC1A (structural maintenance of chromosomes 1A; minus strand). Cytogenetic location: Xp11.22.
Variant type: single nucleotide variant.
Coding change: c.2345G>A on transcript NM_006306.4 (MANE Select); coding-DNA position 2345, G replaced by A.
Protein change: p.Arg782Gln; replaces arginine 782 with glutamine.
Molecular consequence: missense variant.
Genome position (GRCh38, 1-based): chrX:53,403,641, C>T on the plus strand (G>A on the coding strand, the complement: SMC1A is on the minus strand). VCF-style: chrX-53403641-C-T. GRCh37 (hg19) VCF-style: chrX-53430573-C-T.
Other names: c.2279G>A, p.Arg760Gln (NM_001281463.1); short protein forms R760Q, R782Q.
Identifiers: ClinVar variation 1698905 (VCV001698905.4), dbSNP rs782733394, ClinGen allele CA10420442.
Genomic context (GRCh38, chrX:53,403,641, plus strand): 5'-TCATTCTGCCGTTTCACCTTTTCTTCCTCAAACTCCCGGATGTTGCGCACACCAATCTCC[C>T]GACAAAACTCTTCAAACACCTCATCCTCTACCTGAGAAGAGAAGCCAGGGAGGGCATCGG-3'
Protein context (NP_006297.2, residues 772-792): VEDEVFEEFC[Arg782Gln]EIGVRNIREF

ClinVar aggregate classification (germline): Uncertain significance. Review status: criteria provided, multiple submitters, no conflicts (2 of 4 stars). 2 submissions from 2 submitters: Uncertain significance (2). Last evaluated 2025-07-02.

Conditions:
Congenital muscular hypertrophy-cerebral syndrome (CDLS2). Also called: SMC1A-Related Cornelia de Lange Syndrome; Cornelia de Lange syndrome 2. Identifiers: Orphanet 199, MedGen C1802395, MONDO:0010370, OMIM 300590.

Allele frequency attached by ClinVar (database versions not stated): gnomAD exomes 0.00001; ExAC 0.00002.
gnomAD v4.1: 12 of 1,208,237 alleles (0.00099%); highest among the groups gnomAD compares: East Asian, 0.003%; no homozygotes.

Submissions (2):

Labcorp Genetics (formerly Invitae), Labcorp
Classification: Uncertain significance for Congenital muscular hypertrophy-cerebral syndrome. Last evaluated: 2025-07-02. Review status: criteria provided, single submitter. Criteria: Invitae Variant Classification Sherloc (09022015). Collection method: clinical testing. Allele origin: germline.
Comment: This sequence change replaces arginine, which is basic and polar, with glutamine, which is neutral and polar, at codon 782 of the SMC1A protein (p.Arg782Gln). The frequency data for this variant in the population databases is considered unreliable, as metrics indicate poor data quality at this position in the gnomAD database. This variant has not been reported in the literature in individuals affected with SMC1A-related conditions. ClinVar contains an entry for this variant (Variation ID: 1698905). Invitae Evidence Modeling of protein sequence and biophysical properties (such as structural, functional, and spatial information, amino acid conservation, physicochemical variation, residue mobility, and thermodynamic stability) indicates that this missense variant is not expected to disrupt SMC1A protein function with a negative predictive value of 95%. In summary, the available evidence is currently insufficient to determine the role of this variant in disease. Therefore, it has been classified as a Variant of Uncertain Significance.

Genetics and Molecular Pathology, SA Pathology
Classification: Uncertain significance for Congenital muscular hypertrophy-cerebral syndrome. Last evaluated: 2022-02-22. Review status: criteria provided, single submitter. Criteria: ACMG Guidelines, 2015. Collection method: clinical testing. Allele origin: germline. Affected: yes.